The following is an entry in ClinVar:

NM_001041.4(SI):c.1507T>C (p.Trp503Arg)

Gene: SI (sucrase-isomaltase; minus strand). Cytogenetic location: 3q26.1.
Variant type: single nucleotide variant.
Coding change: c.1507T>C on transcript NM_001041.4 (MANE Select); coding-DNA position 1507, T replaced by C.
Protein change: p.Trp503Arg; replaces tryptophan 503 with arginine.
Molecular consequence: missense variant.
Genome position (GRCh38, 1-based): chr3:165,055,199, A>G on the plus strand (T>C on the coding strand, the complement: SI is on the minus strand). VCF-style: chr3-165055199-A-G. GRCh37 (hg19) VCF-style: chr3-164772987-A-G.
Other names: short protein forms W503R.
Identifiers: ClinVar variation 2903339 (VCV002903339.2), dbSNP rs1208563368, ClinGen allele CA355027712.

ClinVar aggregate classification (germline): Uncertain significance (1 of 4 stars; one submission).

Allele frequency attached by ClinVar (database versions not stated): TOPMed below 0.00001; gnomAD 0.00001.
gnomAD v4.1: 1 of 1,589,556 alleles (0.000063%); highest among the groups gnomAD compares: Non-Finnish European, 0.000086%; no homozygotes.

Submission:

Labcorp Genetics (formerly Invitae), Labcorp
Classification: Uncertain significance. Last evaluated: 2024-09-09. Review status: criteria provided, single submitter. Criteria: Invitae Variant Classification Sherloc (09022015). Collection method: clinical testing. Allele origin: germline.
Comment: This sequence change replaces tryptophan, which is neutral and slightly polar, with arginine, which is basic and polar, at codon 503 of the SI protein (p.Trp503Arg). This variant is not present in population databases (gnomAD no frequency). This variant has not been reported in the literature in individuals affected with SI-related conditions. Invitae Evidence Modeling of protein sequence and biophysical properties (such as structural, functional, and spatial information, amino acid conservation, physicochemical variation, residue mobility, and thermodynamic stability) has been performed for this missense variant. However, the output from this modeling did not meet the statistical confidence thresholds required to predict the impact of this variant on SI protein function. In summary, the available evidence is currently insufficient to determine the role of this variant in disease. Therefore, it has been classified as a Variant of Uncertain Significance.